The following is an entry in ClinVar:

ClinVar aggregate classification (germline): Uncertain significance. Review status: criteria provided, multiple submitters, no conflicts (2 of 4 stars). 3 submissions from 3 submitters: Uncertain significance (3). Last evaluated 2026-06-05.

Conditions:
Hereditary cancer-predisposing syndrome. Also called: Tumor predisposition; Hereditary Cancer Syndrome; Neoplastic Syndromes, Hereditary; Hereditary neoplastic syndrome. Identifiers: Orphanet 140162, MedGen C0027672, MeSH D009386, MONDO:0015356.

Allele frequency attached by ClinVar (database versions not stated): gnomAD exomes 0.00001; TOPMed below 0.00001; gnomAD 0.00001.
gnomAD v4.1: 10 of 1,614,054 alleles (0.00062%); highest among the groups gnomAD compares: Non-Finnish European, 0.00085%; no homozygotes.

Submissions (3):

Ambry Genetics
Classification: Uncertain significance for Hereditary cancer-predisposing syndrome. Last evaluated: 2026-06-05. Review status: criteria provided, single submitter. Criteria: Ambry Variant Classification Scheme 2023. Collection method: clinical testing. Allele origin: germline.
Comment: The p.D568E variant (also known as c.1704C>G), located in coding exon 16 of the POLE gene, results from a C to G substitution at nucleotide position 1704. The aspartic acid at codon 568 is replaced by glutamic acid, an amino acid with highly similar properties. This amino acid position is highly conserved in available vertebrate species. In addition, this alteration is predicted to be tolerated by in silico analysis. Based on the available evidence, the clinical significance of this variant remains unclear.

GeneDx
Classification: Uncertain significance. Last evaluated: 2025-01-29. Review status: criteria provided, single submitter. Criteria: GeneDx Variant Classification Process June 2021. Collection method: clinical testing. Allele origin: germline. Affected: yes.
Comment: Not observed at significant frequency in large population cohorts (gnomAD); In silico analysis indicates that this missense variant does not alter protein structure/function; Has not been previously published as pathogenic or benign to our knowledge; This variant is associated with the following publications: (PMID: 20951805)

Labcorp Genetics (formerly Invitae), Labcorp
Classification: Uncertain significance. Last evaluated: 2024-07-19. Review status: criteria provided, single submitter. Criteria: Invitae Variant Classification Sherloc (09022015). Collection method: clinical testing. Allele origin: germline.
Comment: This sequence change replaces aspartic acid, which is acidic and polar, with glutamic acid, which is acidic and polar, at codon 568 of the POLE protein (p.Asp568Glu). The frequency data for this variant in the population databases is considered unreliable, as metrics indicate poor data quality at this position in the gnomAD database. This variant has not been reported in the literature in individuals affected with POLE-related conditions. ClinVar contains an entry for this variant (Variation ID: 639056). Advanced modeling of protein sequence and biophysical properties (such as structural, functional, and spatial information, amino acid conservation, physicochemical variation, residue mobility, and thermodynamic stability) performed at Invitae indicates that this missense variant is not expected to disrupt POLE protein function with a negative predictive value of 80%. In summary, the available evidence is currently insufficient to determine the role of this variant in disease. Therefore, it has been classified as a Variant of Uncertain Significance.

NM_006231.4(POLE):c.1704C>G (p.Asp568Glu)

Gene: POLE (DNA polymerase epsilon, catalytic subunit; minus strand). Cytogenetic location: 12q24.33.
Variant type: single nucleotide variant.
Coding change: c.1704C>G on transcript NM_006231.4 (MANE Select); coding-DNA position 1704, C replaced by G.
Protein change: p.Asp568Glu; replaces aspartic acid 568 with glutamic acid.
Molecular consequence: missense variant.
Genome position (GRCh38, 1-based): chr12:132,672,305, G>C on the plus strand (C>G on the coding strand, the complement: POLE is on the minus strand). VCF-style: chr12-132672305-G-C. GRCh37 (hg19) VCF-style: chr12-133248891-G-C.
Other names: c.1704C>G (NM_006231.2); short protein forms D568E.
Identifiers: ClinVar variation 639056 (VCV000639056.12), dbSNP rs1202536047, ClinGen allele CA387356389.
Genomic context (GRCh38, chr12:132,672,305, plus strand): 5'-CACTTTCTCCTCTTCCTCAAGGGCGTGGCGCAAGGTCTTCTCAACCCGCTGCAGCAGGAA[G>C]TCAAAGGCGGCAGGATTCTAGCACAACAGTGAGACGACGGGGTCAGAGGGGAAACACACC-3'
Protein context (NP_006222.2, residues 558-578): CRFRMNPAAF[Asp568Glu]FLLQRVEKTL